The following is an entry in ClinVar:

ClinVar aggregate classification (germline): Conflicting classifications of pathogenicity. Review status: criteria provided, conflicting classifications (1 of 4 stars). 2 submissions from 2 submitters: Uncertain significance (1); Likely benign (1). Last evaluated 2025-06-26.

Conditions:
ALMS1-related disorder. Also called: ALMS1-related condition.
Alstrom syndrome (ALMS). Identifiers: Orphanet 64, MedGen C0268425, MONDO:0008763, OMIM 203800.

Submissions (2):

PreventionGenetics, part of Exact Sciences
Classification: Uncertain significance for ALMS1-related condition. Last evaluated: 2025-06-26. Review status: criteria provided, single submitter. Criteria: ACMG Guidelines, 2015. Collection method: clinical testing. Allele origin: germline.
Comment: The ALMS1 c.12342G>A variant is predicted to result in the amino acid substitution p.Met4114Ile. To our knowledge, this variant has not been reported in the literature. This variant is reported in 0.00088% of alleles in individuals of European (Non-Finnish) descent in gnomAD. At this time, the clinical significance of this variant is uncertain due to the absence of conclusive functional and genetic evidence.

Labcorp Genetics (formerly Invitae), Labcorp
Classification: Likely benign for Alstrom syndrome. Last evaluated: 2021-04-07. Review status: criteria provided, single submitter. Criteria: Invitae Variant Classification Sherloc (09022015). Collection method: clinical testing. Allele origin: germline.

NM_001378454.1(ALMS1):c.12339G>A (p.Lys4113=)

Gene: ALMS1 (ALMS1 centrosome and basal body associated protein; plus strand). Cytogenetic location: 2p13.1.
Variant type: single nucleotide variant.
Coding change: c.12339G>A on transcript NM_001378454.1 (MANE Select); coding-DNA position 12339, G replaced by A.
Protein change: p.Lys4113=; no amino-acid change (lysine 4113 retained).
Molecular consequence: synonymous variant.
Genome position (GRCh38, 1-based): chr2:73,603,281, G>A. VCF-style: chr2-73603281-G-A. GRCh37 (hg19) VCF-style: chr2-73830408-G-A.
Other names: c.12342G>A, p.Lys4114= (NM_015120.4).
Identifiers: ClinVar variation 1546835 (VCV001546835.9), dbSNP rs2104202897, ClinGen allele CA426785253.